The following is an entry in ClinVar:

ClinVar aggregate classification (germline): Likely pathogenic (1 of 4 stars; one submission).

Conditions:
Tay-Sachs disease (TSD). Also called: HEXA DEFICIENCY; GM2 gangliosidosis, type 1; Hexosaminidase alpha-subunit deficiency (variant B); Sphingolipidosis, Tay-Sachs; HEXA Disorders; Hexosaminidase A Deficiency. Identifiers: Orphanet 845, MedGen C0039373, MONDO:0010100, OMIM 272800.

Submission:

Natera, Inc.
Classification: Likely pathogenic for Tay-Sachs disease. Last evaluated: 2025-02-20. Review status: criteria provided, single submitter. Criteria: Natera Variant Classification Schema (03/2026). Collection method: clinical testing. Allele origin: germline.
Comment: The c.604del variant in HEXA is a frameshift variant predicted to shift the reading frame beginning at codon 202 and leads to a stop codon 5 codons downstream. This variant is expected to result in nonsense mediated decay, truncation, or a dysfunctional protein product. This variant is rare in the general population with a frequency below the threshold expected for the associated phenotype(s). Given the available evidence, this variant is classified as Likely Pathogenic.

NM_000520.6(HEXA):c.604del (p.His202fs)

Gene: HEXA (hexosaminidase subunit alpha; minus strand). Cytogenetic location: 15q23.
Variant type: Deletion.
Coding change: c.604del on transcript NM_000520.6 (MANE Select); coding-DNA position 604, one base deleted (C; older notation c.604delC).
Protein change: p.His202fs; shifts the reading frame from histidine 202.
Molecular consequence: frameshift variant. On other transcripts: non-coding transcript variant (1).
Genome position (GRCh38, 1-based): chr15:72,351,201, G deleted on the plus strand (C on the coding strand, the reverse complement: HEXA is on the minus strand); the first of 2 consecutive G bases (chr15:72,351,201-72,351,202); deleting either gives the same sequence. VCF-style (leftmost placement, unchanged base first): chr15-72351200-TG-T. GRCh37 (hg19) VCF-style: chr15-72643541-TG-T.
Other names: c.637del, p.His213fs (NM_001318825.2); short protein forms H202fs, H213fs.
Identifiers: ClinVar variation 4069181 (VCV004069181.2).
Genomic context (GRCh38, chr15:72,351,200, plus strand): 5'-ATGAGCTCTGGAAAAGTGAAGCTCTCATATGGGAAGGAAGGATCATCTACCAGATGCCAG[TG>T]GAACACGTTCAATTTATTGTACGCCATGACATCCTGTAGGTTAAAGTGCACACTGTGAAC-3'